The following is an entry in ClinVar:

ClinVar aggregate classification (germline): Likely benign. Review status: criteria provided, multiple submitters, no conflicts (2 of 4 stars). 3 submissions from 3 submitters: Likely benign (3). Last evaluated 2026-01-14.

Conditions:
Hereditary diffuse gastric adenocarcinoma (HDGC). Also called: DIFFUSE GASTRIC AND LOBULAR BREAST CANCER SYNDROME. Identifiers: Orphanet 26106, MedGen C1708349, MONDO:0007648, OMIM 137215.

Submissions (3):

Labcorp Genetics (formerly Invitae), Labcorp
Classification: Likely benign. Last evaluated: 2026-01-14. Review status: criteria provided, single submitter. Criteria: Invitae Variant Classification Sherloc (09022015). Collection method: clinical testing. Allele origin: germline.

Myriad Genetics, Inc.
Classification: Likely benign for Hereditary diffuse gastric adenocarcinoma. Last evaluated: 2024-10-14. Review status: criteria provided, single submitter. Criteria: Myriad Autosomal Dominant, Autosomal Recessive and X-Linked Classification Criteria (2023). Collection method: clinical testing. Allele origin: unknown.
Comment: This variant is considered likely benign. This variant is intronic and is not expected to impact mRNA splicing.

Blueprint Genetics
Classification: Likely benign. Last evaluated: 2024-01-18. Review status: criteria provided, single submitter. Criteria: ACMG Guidelines, 2015. Collection method: clinical testing. Allele origin: germline.

NM_001903.5(CTNNA1):c.2011-17dup

Gene: CTNNA1 (catenin alpha 1; plus strand). Cytogenetic location: 5q31.2.
Variant type: Duplication.
Coding change: c.2011-17dup on transcript NM_001903.5 (MANE Select); 17 bases into the intron before coding-DNA position 2011, one base duplicated (T; older notation c.2011-17dupT).
Molecular consequence: intron variant.
Genome position (GRCh38, 1-based): chr5:138,930,456, T duplicated; the last of 3 consecutive T bases (chr5:138,930,454-138,930,456); duplicating any one gives the same sequence. VCF-style (leftmost placement, unchanged base first): chr5-138930453-C-CT. GRCh37 (hg19) VCF-style: chr5-138266142-C-CT.
Other names: c.2011-17dup (NM_001323982.2, NM_001323984.2, NM_001290307.3 and 2 more transcripts); c.1918-17dup (NM_001323986.2); c.1642-17dup (NM_001290310.3); c.1702-17dup (NM_001290309.3); c.901-17dup (NM_001323996.1, NM_001323993.1, NM_001324005.1 and 17 more transcripts); c.562-17dup (NM_001324007.1, NM_001324009.1, NM_001324006.1 and 2 more transcripts); c.658-17dup (NM_001324013.1, NM_001324012.1); c.808-17dup (NM_001324011.1).
Identifiers: ClinVar variation 1638206 (VCV001638206.10), dbSNP rs746944111, ClinGen allele CA3432101.
Genomic context (GRCh38, chr5:138,930,453, plus strand): 5'-GTTGGAAATATTCTTGGCTAATGCACTCTGAGAACTTCATATTCTTTTTATGTAAGAGCT[C>CT]TTTGTGCTTCTGATCACAGGCGATCATGGCTCAGCTTCCCCAGGAGCAAAAAGCGAAGAT-3'